The following is an entry in ClinVar:

NM_001848.3(COL6A1):c.1399-129A>G

Gene: COL6A1 (collagen type VI alpha 1 chain; plus strand). Cytogenetic location: 21q22.3.
Variant type: single nucleotide variant.
Coding change: c.1399-129A>G on transcript NM_001848.3 (MANE Select); 129 bases into the intron before coding-DNA position 1399, A replaced by G.
Molecular consequence: intron variant.
Genome position (GRCh38, 1-based): chr21:45,997,292, A>G. VCF-style: chr21-45997292-A-G. GRCh37 (hg19) VCF-style: chr21-47417206-A-G.
Identifiers: ClinVar variation 679940 (VCV000679940.2), dbSNP rs11701583, ClinGen allele CA14865332.

ClinVar aggregate classification (germline): Benign. Review status: criteria provided, multiple submitters, no conflicts (2 of 4 stars). 2 submissions from 2 submitters: Benign (2). Last evaluated 2018-06-14.

Allele frequency attached by ClinVar (database versions not stated): TOPMed 0.53738; gnomAD 0.54266 and 0.54752; 1000 Genomes Project 30x 0.57714; 1000 Genomes Project 0.57827; gnomAD exomes 0.59012.
gnomAD v4.1: 500,671 of 859,526 alleles (58%); highest among the groups gnomAD compares: East Asian, 69%; 147,139 homozygotes.

Submissions (2):

GeneDx
Classification: Benign. Last evaluated: 2018-06-14. Review status: criteria provided, single submitter. Criteria: GeneDx Variant Classification (06012015). Collection method: clinical testing. Allele origin: germline. Affected: yes.
Comment: This variant is considered likely benign or benign based on one or more of the following criteria: it is a conservative change, it occurs at a poorly conserved position in the protein, it is predicted to be benign by multiple in silico algorithms, and/or has population frequency not consistent with disease.

Breakthrough Genomics
Classification: Benign. Review status: criteria provided, single submitter. Criteria: ACMG Guidelines, 2015. Collection method: not provided. Allele origin: germline. Inheritance: Autosomal recessive inheritance. Affected: yes.